The following is an entry in ClinVar:

NM_001166108.2(PALLD):c.2754T>A (p.Asn918Lys)

Genes: CBR4 (carbonyl reductase 4; minus strand), PALLD (palladin, cytoskeletal associated protein; plus strand). Cytogenetic location: 4q32.3.
Variant type: single nucleotide variant.
Coding change: c.2754T>A on transcript NM_001166108.2 (MANE Select); coding-DNA position 2754, T replaced by A.
Protein change: p.Asn918Lys; replaces asparagine 918 with lysine.
Molecular consequence: missense variant.
Genome position (GRCh38, 1-based): chr4:168,915,931, T>A. VCF-style: chr4-168915931-T-A. GRCh37 (hg19) VCF-style: chr4-169837082-T-A.
Other names: c.1557T>A, p.Asn519Lys (NM_001166109.2); c.1242T>A, p.Asn414Lys (NM_001166110.2); c.582T>A, p.Asn194Lys (NM_001367567.1, NM_001367569.1); c.633T>A, p.Asn211Lys (NM_001367568.1, NM_001367570.1); c.2703T>A, p.Asn901Lys (NM_016081.4); c.2703T>A (NM_016081.3); short protein forms N901K, N414K, N194K, N211K, N519K, N918K.
Identifiers: ClinVar variation 410614 (VCV000410614.9), dbSNP rs927644209, ClinGen allele CA16611428.
Genomic context (GRCh38, chr4:168,915,931, plus strand): 5'-ATCTGTCATCTTTCTTGTTTCAAGGCCTCGTTCTAGATCAAGGGACAGTGGAGACGAAAA[T>A]GAACCAATTCAGGAGCGATTCTTCAGACCTCACTTCTTGCAGGCTCCTGGAGATCTGACT-3'
Protein context (NP_001159580.1, residues 908-928): RSRSRDSGDE[Asn918Lys]EPIQERFFRP

ClinVar aggregate classification (germline): Uncertain significance. Review status: criteria provided, multiple submitters, no conflicts (2 of 4 stars). 2 submissions from 2 submitters: Uncertain significance (2). Last evaluated 2025-05-05.

Conditions:
Pancreatic adenocarcinoma. Identifiers: MedGen C0281361, MONDO:0006047, HP:0006725.

gnomAD v4.1: 1 of 1,613,502 alleles (0.000062%); highest among the groups gnomAD compares: Non-Finnish European, 0.000085%; no homozygotes.

Submissions (2):

Labcorp Genetics (formerly Invitae), Labcorp
Classification: Uncertain significance for Pancreatic adenocarcinoma. Last evaluated: 2025-05-05. Review status: criteria provided, single submitter. Criteria: Invitae Variant Classification Sherloc (09022015). Collection method: clinical testing. Allele origin: germline.
Comment: This sequence change replaces asparagine, which is neutral and polar, with lysine, which is basic and polar, at codon 414 of the PALLD protein (p.Asn414Lys). This variant is not present in population databases (gnomAD no frequency). This variant has not been reported in the literature in individuals affected with PALLD-related conditions. ClinVar contains an entry for this variant (Variation ID: 410614). An algorithm developed to predict the effect of missense changes on protein structure and function (PolyPhen-2) suggests that this variant is likely to be tolerated. In summary, the available evidence is currently insufficient to determine the role of this variant in disease. Therefore, it has been classified as a Variant of Uncertain Significance.

Ambry Genetics
Classification: Uncertain significance. Last evaluated: 2024-08-10. Review status: criteria provided, single submitter. Criteria: Ambry Variant Classification Scheme 2023. Collection method: clinical testing. Allele origin: germline.
Comment: The p.N901K variant (also known as c.2703T>A), located in coding exon 15 of the PALLD gene, results from a T to A substitution at nucleotide position 2703. The asparagine at codon 901 is replaced by lysine, an amino acid with similar properties. This amino acid position is conserved. In addition, this alteration is predicted to be tolerated by in silico analysis. Based on the available evidence, the clinical significance of this variant remains unclear.